The following is an entry in ClinVar:

ClinVar aggregate classification (germline): Pathogenic (1 of 4 stars; one submission).

Conditions:
Autosomal recessive nonsyndromic hearing loss 3. Also called: NEUROSENSORY NONSYNDROMIC RECESSIVE DEAFNESS 3. Identifiers: Orphanet 90636, MedGen C1838263, MONDO:0010860, OMIM 600316.

Submission:

Variantyx, Inc.
Classification: Pathogenic for Autosomal recessive nonsyndromic hearing loss 3. Last evaluated: 2025-08-05. Review status: criteria provided, single submitter. Criteria: Variantyx Assertion Criteria 2022. Collection method: clinical testing. Allele origin: germline. Inheritance: Autosomal recessive inheritance. Affected: yes.
Comment: This is a frameshift variant in the MYO15A gene (OMIM: 602666). Pathogenic variants in this gene have been associated with autosomal recessive deafness 3. This variant introduces a premature termination codon in exon 2 out of 66 and is expected to result in loss of function, which is a known disease mechanism for MYO15A in this disorder (PVS1) ( PMID:9603736;17851452). This variant is absent from control populations (PM2), and it has not been reported in individuals with MYO15A-related disorders in the databases available for review. Based on the current evidence, this variant is classified as pathogenic for autosomal recessive deafness 3.

Literature cited by the submitters: PubMed 9603736; PubMed 17851452.

NM_016239.4(MYO15A):c.1838del (p.Lys613fs)

Gene: MYO15A (myosin XVA; plus strand). Cytogenetic location: 17p11.2.
Variant type: Deletion.
Coding change: c.1838del on transcript NM_016239.4 (MANE Select); coding-DNA position 1838, one base deleted (A; older notation c.1838delA).
Protein change: p.Lys613fs; shifts the reading frame from lysine 613.
Molecular consequence: frameshift variant.
Genome position (GRCh38, 1-based): chr17:18,120,638, A deleted; the last of 2 consecutive A bases (chr17:18,120,637-18,120,638); deleting either gives the same sequence. VCF-style (leftmost placement, unchanged base first): chr17-18120636-CA-C. GRCh37 (hg19) VCF-style: chr17-18023950-CA-C.
Other names: short protein forms K613fs.
Identifiers: ClinVar variation 4850815 (VCV004850815.1).